The following is an entry in ClinVar:

NM_001042492.3(NF1):c.2699C>T (p.Ser900Phe)

Gene: NF1 (neurofibromin 1; plus strand). Cytogenetic location: 17q11.2.
Variant type: single nucleotide variant.
Coding change: c.2699C>T on transcript NM_001042492.3 (MANE Select); coding-DNA position 2699, C replaced by T.
Protein change: p.Ser900Phe; replaces serine 900 with phenylalanine.
Molecular consequence: missense variant.
Genome position (GRCh38, 1-based): chr17:31,229,314, C>T. VCF-style: chr17-31229314-C-T. GRCh37 (hg19) VCF-style: chr17-29556332-C-T.
Other names: c.2699C>T, p.Ser900Phe (NM_000267.4); short protein forms S900F.
Identifiers: ClinVar variation 2046966 (VCV002046966.4), dbSNP rs2151429470, ClinGen allele CA398985023.

ClinVar aggregate classification (germline): Uncertain significance (1 of 4 stars; one submission).

Conditions:
Neurofibromatosis, type 1 (NF1). Also called: Neurofibromatosis, type I; NEUROFIBROMATOSIS, TYPE I, SOMATIC; Peripheral type neurofibromatosis; VON RECKLINGHAUSEN DISEASE. Identifiers: Orphanet 636, MedGen C0027831, MONDO:0018975, OMIM 162200. Disease mechanism: loss of function.

Allele frequency attached by ClinVar (database versions not stated): gnomAD exomes below 0.00001.
gnomAD v4.1: 3 of 1,613,908 alleles (0.00019%); highest among the groups gnomAD compares: Non-Finnish European, 0.00025%; no homozygotes.

Submission:

Labcorp Genetics (formerly Invitae), Labcorp
Classification: Uncertain significance for Neurofibromatosis, type 1. Last evaluated: 2022-06-07. Review status: criteria provided, single submitter. Criteria: Invitae Variant Classification Sherloc (09022015). Collection method: clinical testing. Allele origin: germline.
Comment: This variant has not been reported in the literature in individuals affected with NF1-related conditions. Advanced modeling of protein sequence and biophysical properties (such as structural, functional, and spatial information, amino acid conservation, physicochemical variation, residue mobility, and thermodynamic stability) performed at Invitae indicates that this missense variant is expected to disrupt NF1 protein function. In summary, the available evidence is currently insufficient to determine the role of this variant in disease. Therefore, it has been classified as a Variant of Uncertain Significance. This variant is not present in population databases (gnomAD no frequency). This sequence change replaces serine, which is neutral and polar, with phenylalanine, which is neutral and non-polar, at codon 900 of the NF1 protein (p.Ser900Phe).